The following is an entry in ClinVar:

NM_002976.4(SCN7A):c.3417A>C (p.Ala1139=)

Gene: SCN7A (sodium voltage-gated channel alpha subunit 7; minus strand). Cytogenetic location: 2q24.3.
Variant type: single nucleotide variant.
Coding change: c.3417A>C on transcript NM_002976.4 (MANE Select); coding-DNA position 3417, A replaced by C.
Protein change: p.Ala1139=; no amino-acid change (alanine 1139 retained).
Molecular consequence: synonymous variant. On other transcripts: non-coding transcript variant (1).
Genome position (GRCh38, 1-based): chr2:166,413,119, T>G on the plus strand (A>C on the coding strand, the complement: SCN7A is on the minus strand). VCF-style: chr2-166413119-T-G. GRCh37 (hg19) VCF-style: chr2-167269629-T-G.
Identifiers: ClinVar variation 3056936 (VCV003056936.2), dbSNP rs33922582, ClinGen allele CA1945248.

ClinVar aggregate classification (germline): Benign (0 of 4 stars; one submission).

Conditions:
SCN7A-related disorder. Also called: SCN7A-related condition.

Allele frequency attached by ClinVar (database versions not stated): 1000 Genomes Project 0.06050; 1000 Genomes Project 30x 0.06184; TOPMed 0.07496; gnomAD 0.07849; ESP Exome Variant Server 0.07897; gnomAD exomes 0.08884; ExAC 0.13086.
gnomAD v4.1: 132,567 of 1,504,096 alleles (8.8%); highest among the groups gnomAD compares: Middle Eastern, 17%; 6,600 homozygotes.

Submission:

PreventionGenetics, part of Exact Sciences
Classification: Benign for SCN7A-related condition. Last evaluated: 2019-11-26. Review status: no assertion criteria provided. Collection method: clinical testing. Allele origin: germline.
Comment: This variant is classified as benign based on ACMG/AMP sequence variant interpretation guidelines (Richards et al. 2015 PMID: 25741868, with internal and published modifications).